The following is an entry in ClinVar:

ClinVar aggregate classification (germline): Conflicting classifications of pathogenicity. Review status: criteria provided, conflicting classifications (1 of 4 stars). 3 submissions from 3 submitters: Uncertain significance (2); Likely benign (1). Last evaluated 2026-07-06.

Conditions:
Hereditary cancer-predisposing syndrome. Also called: Neoplastic Syndromes, Hereditary; Hereditary Cancer Syndrome; Tumor predisposition; Hereditary neoplastic syndrome. Identifiers: Orphanet 140162, MedGen C0027672, MeSH D009386, MONDO:0015356.
Tuberous sclerosis syndrome (TSC). Also called: Tuberous Sclerosis Complex; Tuberous sclerosis. Identifiers: Orphanet 805, MedGen C0041341, MONDO:0001734.
Tuberous sclerosis 1 (TSC1). Identifiers: Orphanet 805, MedGen C1854465, MONDO:0008612, OMIM 191100.

Allele frequency attached by ClinVar (database versions not stated): TOPMed below 0.00001; gnomAD 0.00001; gnomAD exomes below 0.00001.
gnomAD v4.1: 4 of 1,614,112 alleles (0.00025%); highest among the groups gnomAD compares: Non-Finnish European, 0.00034%; no homozygotes.

Submissions (3):

Ambry Genetics
Classification: Likely benign for Hereditary cancer-predisposing syndrome. Last evaluated: 2026-07-06. Review status: criteria provided, single submitter. Criteria: Ambry Variant Classification Scheme 2023. Collection method: clinical testing. Allele origin: germline.

Labcorp Genetics (formerly Invitae), Labcorp
Classification: Uncertain significance for Tuberous sclerosis 1. Last evaluated: 2025-07-08. Review status: criteria provided, single submitter. Criteria: Invitae Variant Classification Sherloc (09022015). Collection method: clinical testing. Allele origin: germline.
Comment: This sequence change replaces valine, which is neutral and non-polar, with methionine, which is neutral and non-polar, at codon 594 of the TSC1 protein (p.Val594Met). This variant is not present in population databases (gnomAD no frequency). This variant has not been reported in the literature in individuals affected with TSC1-related conditions. ClinVar contains an entry for this variant (Variation ID: 949188). Invitae Evidence Modeling of protein sequence and biophysical properties (such as structural, functional, and spatial information, amino acid conservation, physicochemical variation, residue mobility, and thermodynamic stability) indicates that this missense variant is not expected to disrupt TSC1 protein function with a negative predictive value of 95%. In summary, the available evidence is currently insufficient to determine the role of this variant in disease. Therefore, it has been classified as a Variant of Uncertain Significance.

All of Us Research Program, National Institutes of Health
Classification: Uncertain significance for Tuberous sclerosis syndrome. Last evaluated: 2022-12-05. Review status: criteria provided, single submitter. Criteria: ACMG Guidelines, 2015. Collection method: clinical testing. Allele origin: germline. Inheritance: Autosomal dominant inheritance. Observed: 1 variant allele, 1 heterozygote.
Comment: This missense variant replaces valine with methionine at codon 594 of the TSC1 protein. Computational prediction suggests that this variant may not impact protein structure and function (internally defined REVEL score threshold <= 0.5, PMID: 27666373). To our knowledge, functional studies have not been reported for this variant. This variant has not been reported in individuals affected with tuberous sclerosis complex (TSC) in the literature. This variant has not been identified in the general population by the Genome Aggregation Database (gnomAD). The available evidence is insufficient to determine the role of this variant in disease conclusively. Therefore, this variant is classified as a Variant of Uncertain Significance.

This study involves interpretation of variants in research participants for the purpose of population health screening. Participant phenotype was not available at the time of variant classification. Additional details can be found in publication PMID: 35346344, PMCID: PMC8962531

NM_000368.5(TSC1):c.1780G>A (p.Val594Met)

Gene: TSC1 (TSC complex subunit 1; minus strand). Cytogenetic location: 9q34.13.
Variant type: single nucleotide variant.
Coding change: c.1780G>A on transcript NM_000368.5 (MANE Select); coding-DNA position 1780, G replaced by A.
Protein change: p.Val594Met; replaces valine 594 with methionine.
Molecular consequence: missense variant.
Genome position (GRCh38, 1-based): chr9:132,905,798, C>T on the plus strand (G>A on the coding strand, the complement: TSC1 is on the minus strand). VCF-style: chr9-132905798-C-T. GRCh37 (hg19) VCF-style: chr9-135781185-C-T.
Other names: c.1777G>A, p.Val593Met (NM_001162426.2); c.1627G>A, p.Val543Met (NM_001162427.2); c.1417G>A, p.Val473Met (NM_001362177.2); short protein forms V593M, V543M, V594M, V473M.
Identifiers: ClinVar variation 949188 (VCV000949188.10), dbSNP rs1845623814, ClinGen allele CA375363590.